The following is an entry in ClinVar:

ClinVar aggregate classification (germline): Uncertain significance (1 of 4 stars; one submission).

Conditions:
Progressive sclerosing poliodystrophy (MTDPS4A). Also called: ALPERS PROGRESSIVE INFANTILE POLIODYSTROPHY; NEURONAL DEGENERATION OF CHILDHOOD WITH LIVER DISEASE, PROGRESSIVE; Alpers Syndrome; ALPERS DIFFUSE DEGENERATION OF CEREBRAL GRAY MATTER WITH HEPATIC CIRRHOSIS; Alpers-Huttenlocher Syndrome; Mitochondrial DNA depletion syndrome 4A (Alpers type). Identifiers: Orphanet 726, MedGen C0205710, MONDO:0008758, OMIM 203700.

gnomAD v4.1: 2 of 1,611,022 alleles (0.00012%); highest among the groups gnomAD compares: Non-Finnish European, 0.00017%; no homozygotes.

Submission:

Labcorp Genetics (formerly Invitae), Labcorp
Classification: Uncertain significance for Progressive sclerosing poliodystrophy. Last evaluated: 2024-04-08. Review status: criteria provided, single submitter. Criteria: Invitae Variant Classification Sherloc (09022015). Collection method: clinical testing. Allele origin: germline.
Comment: This sequence change replaces aspartic acid, which is acidic and polar, with valine, which is neutral and non-polar, at codon 582 of the POLG protein (p.Asp582Val). This variant is not present in population databases (gnomAD no frequency). This variant has not been reported in the literature in individuals affected with POLG-related conditions. Advanced modeling of protein sequence and biophysical properties (such as structural, functional, and spatial information, amino acid conservation, physicochemical variation, residue mobility, and thermodynamic stability) has been performed at Invitae for this missense variant, however the output from this modeling did not meet the statistical confidence thresholds required to predict the impact of this variant on POLG protein function. In summary, the available evidence is currently insufficient to determine the role of this variant in disease. Therefore, it has been classified as a Variant of Uncertain Significance.

NM_002693.3(POLG):c.1745A>T (p.Asp582Val)

Gene: POLG (DNA polymerase gamma, catalytic subunit; minus strand). Cytogenetic location: 15q26.1.
Variant type: single nucleotide variant.
Coding change: c.1745A>T on transcript NM_002693.3 (MANE Select); coding-DNA position 1745, A replaced by T.
Protein change: p.Asp582Val; replaces aspartic acid 582 with valine.
Molecular consequence: missense variant.
Genome position (GRCh38, 1-based): chr15:89,325,654, T>A on the plus strand (A>T on the coding strand, the complement: POLG is on the minus strand). VCF-style: chr15-89325654-T-A. GRCh37 (hg19) VCF-style: chr15-89868885-T-A.
Other names: c.1745A>T, p.Asp582Val (NM_001126131.2); short protein forms D582V.
Identifiers: ClinVar variation 3636636 (VCV003636636.2).
Genomic context (GRCh38, chr15:89,325,654, plus strand): 5'-AGTTTAGGTGTGACCCGCATCTGCAGGCTGAGGAGGCTGGGGCCCGGGGTCCATGCAGGG[T>A]CGTCTAGCCGGGGGCAGAGCTTCCGGTACCATCTACGTCCCAGCAGGAAGACAGCAGTGT-3'
Protein context (NP_002684.1, residues 572-592): WYRKLCPRLD[Asp582Val]PAWTPGPSLL